The following is an entry in ClinVar:

ClinVar aggregate classification (germline): Pathogenic (1 of 4 stars; one submission).

Submission:

Labcorp Genetics (formerly Invitae), Labcorp
Classification: Pathogenic. Last evaluated: 2023-08-28. Review status: criteria provided, single submitter. Criteria: Invitae Variant Classification Sherloc (09022015). Collection method: clinical testing. Allele origin: germline.
Comment: For these reasons, this variant has been classified as Pathogenic. This variant has not been reported in the literature in individuals affected with CERKL-related conditions. This variant is not present in population databases (gnomAD no frequency). This sequence change creates a premature translational stop signal (p.Leu169Phefs*8) in the CERKL gene. It is expected to result in an absent or disrupted protein product. Loss-of-function variants in CERKL are known to be pathogenic (PMID: 14681825, 23591405, 24043777).

Literature cited by the submitters: PubMed 14681825; PubMed 23591405; PubMed 24043777.

NM_201548.5(CERKL):c.487_506dup (p.Leu169fs)

Gene: CERKL (CERK like autophagy regulator; minus strand). Cytogenetic location: 2q31.3.
Variant type: Duplication.
Coding change: c.487_506dup on transcript NM_201548.5 (MANE Select); coding-DNA positions 487 to 506, 20 bases duplicated (CCAAACAGACCGAAGTCATT).
Protein change: p.Leu169fs; shifts the reading frame from leucine 169.
Molecular consequence: frameshift variant. On other transcripts: non-coding transcript variant (1), intron variant (2).
Genome position (GRCh38, 1-based): chr2:181,573,860-181,573,879, AATGACTTCGGTCTGTTTGG duplicated on the plus strand (CCAAACAGACCGAAGTCATT on the coding strand, the reverse complement: CERKL is on the minus strand); duplicating any 20 consecutive bases within chr2:181,573,860-181,573,881 gives the same sequence; the c. name uses the placement nearest the transcript's 3' end. VCF-style (leftmost placement, unchanged base first): chr2-181573859-T-TAATGACTTCGGTCTGTTTGG. GRCh37 (hg19) VCF-style: chr2-182438586-T-TAATGACTTCGGTCTGTTTGG.
Other names: c.487_506dup, p.Leu169fs (NM_001030311.3, NM_001030313.3); c.485_504dup, p.Leu169Phefs (NM_001030315.1); c.482-24171_482-24152dup (NM_001030312.3); c.482-7758_482-7739dup (NM_001160277.2); short protein forms L169fs.
Identifiers: ClinVar variation 2850712 (VCV002850712.3), dbSNP rs2468354845, ClinGen allele CA2662207303.